The following is an entry in ClinVar:

NM_148919.4(PSMB8):c.315G>A (p.Lys105=)

Gene: PSMB8 (proteasome 20S subunit beta 8; minus strand). Cytogenetic location: 6p21.32.
Variant type: single nucleotide variant.
Coding change: c.315G>A on transcript NM_148919.4 (MANE Select); coding-DNA position 315, G replaced by A.
Protein change: p.Lys105=; no amino-acid change (lysine 105 retained).
Molecular consequence: synonymous variant.
Genome position (GRCh38, 1-based): chr6:32,842,764, C>T on the plus strand (G>A on the coding strand, the complement: PSMB8 is on the minus strand). VCF-style: chr6-32842764-C-T. GRCh37 (hg19) VCF-style: chr6-32810541-C-T.
Other names: c.315G>A (NM_148919.3); c.303G>A, p.Lys101= (NM_004159.5).
Identifiers: ClinVar variation 1144157 (VCV001144157.12), dbSNP rs747690980, ClinGen allele CA3746410.
Genomic context (GRCh38, chr6:32,842,764, plus strand): 5'-CTGACAGTCTGCTGCACAGCCAGACATGGTGCCAAGCAGGTAAGGGTTAATCTCAATCAC[C>T]TTGTTCACCCGTAAGGCACCTGGAAGAAGATGGAGCTTTGGGAGAGAAGGGATGACCCCA-3'
Protein context (NP_683720.2, residues 95-115): GSYISALRVN[Lys105=]VIEINPYLLG

ClinVar aggregate classification (germline): Likely benign. Review status: criteria provided, multiple submitters, no conflicts (2 of 4 stars). 3 submissions from 3 submitters: Likely benign (2). 1 of the submissions does not count toward it. Last evaluated 2025-05-21.

Conditions:
Proteosome-associated autoinflammatory syndrome. Also called: Proteasome-associated autoinflammatory syndrome. Identifiers: Orphanet 324977, MedGen C1850568, MONDO:0009726.
PSMB8-related disorder. Also called: PSMB8-related condition.

Allele frequency attached by ClinVar (database versions not stated): gnomAD 0.00001; ExAC 0.00002; gnomAD exomes 0.00002 and 0.00005; TOPMed 0.00002.

Submissions (3):

Labcorp Genetics (formerly Invitae), Labcorp
Classification: Likely benign for Proteosome-associated autoinflammatory syndrome. Last evaluated: 2025-05-21. Review status: criteria provided, single submitter. Criteria: Invitae Variant Classification Sherloc (09022015). Collection method: clinical testing. Allele origin: germline.

Blueprint Genetics
Classification: Likely benign. Last evaluated: 2022-06-14. Review status: criteria provided, single submitter. Criteria: ACMG Guidelines, 2015. Collection method: clinical testing. Allele origin: germline.

PreventionGenetics, part of Exact Sciences
Classification: Likely benign for PSMB8-related condition. Last evaluated: 2021-12-09. Review status: no assertion criteria provided. Collection method: clinical testing. Allele origin: germline. Not counted in ClinVar's aggregate classification.
Comment: This variant is classified as likely benign based on ACMG/AMP sequence variant interpretation guidelines (Richards et al. 2015 PMID: 25741868, with internal and published modifications).